The following is an entry in ClinVar:

GRCh37/hg19 Xp22.33(chrX:201705-2696762)x3

Gene: XG (Xg glycoprotein (Xg blood group); plus strand). Cytogenetic location: Xp22.33.
Variant type: copy number gain.
Change: copy number 3 of chrX:201,705-2,696,762 (2.50 Mb, GRCh37 coordinates, 1-based), cytogenetic band Xp22.33.
Identifiers: ClinVar variation 1808677 (VCV001808677.1).

ClinVar aggregate classification (germline): Pathogenic (1 of 4 stars; one submission).

Submission:

Quest Diagnostics Nichols Institute San Juan Capistrano
Classification: Pathogenic. Last evaluated: 2022-05-28. Review status: criteria provided, single submitter. Criteria: ACMG/ClinGen CNV Guidelines, 2019. Collection method: clinical testing. Allele origin: unknown.
Comment: The copy number gain of Xp22.33p22.2 involves numerous protein-coding genes, 18 of which are associated with phenotypes in OMIM. There have been multiple reports of microduplications, and in some cases, microtriplications, of Xp22.31 with various clinical features including developmental delay (DD), intellectual disability (ID), seizures, talipes anomalies, feeding difficulties, autism spectrum disorder (ASD), and hypotonia (Esplin 2014, Li 2010, Liu 2014). Males are more likely to present with a phenotype; however, there are instances of affected females (Esplin 2014, Li 2010). While copy number gains of this interval have not yet been associated with a specific clinical phenotype, there are no similar copy number gains of this region in the general populations of the Database of Genomic Variants. Thus, based on current medical literature and gene content, this copy number variant (CNV) is interpreted as pathogenic. References: Li et al., Eur J Med Genet. Mar-Apr 2010;53(2):93-9. PMID: 20132918. Liu et al., Hum Mol Genet. 2011 May 15;20(10):1975-88. PMID: 21355048. Esplin et al., Am J Med Genet A. 2014 Aug;164A(8):2097-103. PMID: 24800990.